The following is an entry in ClinVar:

NM_000268.4(NF2):c.1264G>A (p.Glu422Lys)

Gene: NF2 (NF2, moesin-ezrin-radixin like (MERLIN) tumor suppressor; plus strand). Cytogenetic location: 22q12.2.
Variant type: single nucleotide variant.
Coding change: c.1264G>A on transcript NM_000268.4 (MANE Select); coding-DNA position 1264, G replaced by A.
Protein change: p.Glu422Lys; replaces glutamic acid 422 with lysine.
Molecular consequence: missense variant. On other transcripts: non-coding transcript variant (1), intron variant (1).
Genome position (GRCh38, 1-based): chr22:29,673,410, G>A. VCF-style: chr22-29673410-G-A. GRCh37 (hg19) VCF-style: chr22-30069399-G-A.
Other names: c.1264G>A, p.Glu422Lys (NM_016418.5, NM_181825.3, NM_181832.3); c.1138G>A, p.Glu380Lys (NM_181828.3); c.1141G>A, p.Glu381Lys (NM_181829.3); c.1015G>A, p.Glu339Lys (NM_181830.3, NM_181831.3); c.448-21342G>A (NM_181833.3); short protein forms E380K, E339K, E381K, E422K.
Identifiers: ClinVar variation 956748 (VCV000956748.13), dbSNP rs2066864084, ClinGen allele CA411148368.

ClinVar aggregate classification (germline): Uncertain significance. Review status: criteria provided, multiple submitters, no conflicts (2 of 4 stars). 4 submissions from 4 submitters: Uncertain significance (4). Last evaluated 2025-01-31.

Conditions:
Neurofibromatosis, type 2 (SWNV). Also called: BILATERAL ACOUSTIC NEUROFIBROMATOSIS; SCHWANNOMATOSIS, VESTIBULAR; NF2-Related Schwannomatosis. Identifiers: Orphanet 637, MedGen C0027832, MONDO:0007039, OMIM 101000. Disease mechanism: loss of function.
Hereditary cancer-predisposing syndrome. Also called: Tumor predisposition; Hereditary Cancer Syndrome; Neoplastic Syndromes, Hereditary; Hereditary neoplastic syndrome. Identifiers: Orphanet 140162, MedGen C0027672, MeSH D009386, MONDO:0015356.

Allele frequency attached by ClinVar (database versions not stated): gnomAD exomes below 0.00001.
gnomAD v4.1: 5 of 1,612,680 alleles (0.00031%); highest among the groups gnomAD compares: Middle Eastern, 0.017%; no homozygotes.

Submissions (4):

Ambry Genetics
Classification: Uncertain significance for Hereditary cancer-predisposing syndrome. Last evaluated: 2025-01-31. Review status: criteria provided, single submitter. Criteria: Ambry Variant Classification Scheme 2023. Collection method: clinical testing. Allele origin: germline.
Comment: The p.E422K variant (also known as c.1264G>A), located in coding exon 12 of the NF2 gene, results from a G to A substitution at nucleotide position 1264. The glutamic acid at codon 422 is replaced by lysine, an amino acid with similar properties. This amino acid position is highly conserved in available vertebrate species. In addition, this alteration is predicted to be deleterious by in silico analysis. Based on the available evidence, the clinical significance of this variant remains unclear.

Labcorp Genetics (formerly Invitae), Labcorp
Classification: Uncertain significance for Neurofibromatosis, type 2. Last evaluated: 2024-11-05. Review status: criteria provided, single submitter. Criteria: Invitae Variant Classification Sherloc (09022015). Collection method: clinical testing. Allele origin: germline.
Comment: This sequence change replaces glutamic acid, which is acidic and polar, with lysine, which is basic and polar, at codon 422 of the NF2 protein (p.Glu422Lys). This variant is not present in population databases (gnomAD no frequency). This variant has not been reported in the literature in individuals affected with NF2-related conditions. ClinVar contains an entry for this variant (Variation ID: 956748). Invitae Evidence Modeling of protein sequence and biophysical properties (such as structural, functional, and spatial information, amino acid conservation, physicochemical variation, residue mobility, and thermodynamic stability) indicates that this missense variant is expected to disrupt NF2 protein function with a positive predictive value of 80%. In summary, the available evidence is currently insufficient to determine the role of this variant in disease. Therefore, it has been classified as a Variant of Uncertain Significance.

Genome-Nilou Lab
Classification: Uncertain significance for Neurofibromatosis, type 2. Last evaluated: 2021-11-07. Review status: criteria provided, single submitter. Criteria: ACMG Guidelines, 2015. Collection method: clinical testing. Allele origin: germline. Affected: no.

Baylor Genetics
Classification: Uncertain significance for Neurofibromatosis, type 2. Last evaluated: 2020-02-03. Review status: criteria provided, single submitter. Criteria: ACMG Guidelines, 2015. Collection method: clinical testing. Allele origin: unknown. Affected: yes.
Comment: This variant was determined to be of uncertain significance according to ACMG Guidelines, 2015 [PMID:25741868].